The following is an entry in ClinVar:

NM_002332.3(LRP1):c.3783C>T (p.Cys1261=)

Gene: LRP1 (LDL receptor related protein 1; plus strand). Cytogenetic location: 12q13.3.
Variant type: single nucleotide variant.
Coding change: c.3783C>T on transcript NM_002332.3 (MANE Select); coding-DNA position 3783, C replaced by T.
Protein change: p.Cys1261=; no amino-acid change (cysteine 1261 retained).
Molecular consequence: synonymous variant.
Genome position (GRCh38, 1-based): chr12:57,175,695, C>T. VCF-style: chr12-57175695-C-T. GRCh37 (hg19) VCF-style: chr12-57569478-C-T.
Identifiers: ClinVar variation 1250803 (VCV001250803.5), dbSNP rs12814239, ClinGen allele CA6643115.

ClinVar aggregate classification (germline): Benign. Review status: criteria provided, multiple submitters, no conflicts (2 of 4 stars). 3 submissions from 3 submitters: Benign (2). 1 of the submissions does not count toward it. Last evaluated 2021-06-10.

Conditions:
LRP1-related disorder. Also called: LRP1-related condition.

Allele frequency attached by ClinVar (database versions not stated): 1000 Genomes Project 0.02596; 1000 Genomes Project 30x 0.02655; TOPMed 0.03678; gnomAD 0.04452 and 0.04492; ESP Exome Variant Server 0.04798; gnomAD exomes 0.04973 and 0.06050; ExAC 0.05131.
gnomAD v4.1: 92,266 of 1,569,166 alleles (5.9%); highest among the groups gnomAD compares: Non-Finnish European, 6.5%; 3,096 homozygotes.

Submissions (3):

GeneDx
Classification: Benign. Last evaluated: 2021-06-10. Review status: criteria provided, single submitter. Criteria: GeneDx Variant Classification Process June 2021. Collection method: clinical testing. Allele origin: germline. Affected: yes.

Breakthrough Genomics
Classification: Benign. Review status: criteria provided, single submitter. Criteria: ACMG Guidelines, 2015. Collection method: not provided. Allele origin: germline. Inheritance: Autosomal recessive inheritance. Affected: yes.

PreventionGenetics, part of Exact Sciences
Classification: Benign for LRP1-related condition. Last evaluated: 2019-11-05. Review status: no assertion criteria provided. Collection method: clinical testing. Allele origin: germline. Not counted in ClinVar's aggregate classification.
Comment: This variant is classified as benign based on ACMG/AMP sequence variant interpretation guidelines (Richards et al. 2015 PMID: 25741868, with internal and published modifications).